The following is an entry in ClinVar:

NM_025144.4(ALPK1):c.1178G>C (p.Ser393Thr)

Gene: ALPK1 (alpha kinase 1; plus strand). Cytogenetic location: 4q25.
Variant type: single nucleotide variant.
Coding change: c.1178G>C on transcript NM_025144.4 (MANE Select); coding-DNA position 1178, G replaced by C.
Protein change: p.Ser393Thr; replaces serine 393 with threonine.
Molecular consequence: missense variant.
Genome position (GRCh38, 1-based): chr4:112,430,725, G>C. VCF-style: chr4-112430725-G-C. GRCh37 (hg19) VCF-style: chr4-113351881-G-C.
Other names: c.1178G>C, p.Ser393Thr (NM_001102406.2); c.944G>C, p.Ser315Thr (NM_001253884.2); short protein forms S393T, S315T.
Identifiers: ClinVar variation 3685779 (VCV003685779.2).

ClinVar aggregate classification (germline): Uncertain significance (1 of 4 stars; one submission).

Submission:

Labcorp Genetics (formerly Invitae), Labcorp
Classification: Uncertain significance. Last evaluated: 2024-08-14. Review status: criteria provided, single submitter. Criteria: Invitae Variant Classification Sherloc (09022015). Collection method: clinical testing. Allele origin: germline.
Comment: This sequence change replaces serine, which is neutral and polar, with threonine, which is neutral and polar, at codon 393 of the ALPK1 protein (p.Ser393Thr). This variant is not present in population databases (gnomAD no frequency). This variant has not been reported in the literature in individuals affected with ALPK1-related conditions. Invitae Evidence Modeling of protein sequence and biophysical properties (such as structural, functional, and spatial information, amino acid conservation, physicochemical variation, residue mobility, and thermodynamic stability) indicates that this missense variant is not expected to disrupt ALPK1 protein function with a negative predictive value of 80%. In summary, the available evidence is currently insufficient to determine the role of this variant in disease. Therefore, it has been classified as a Variant of Uncertain Significance.